The following is an entry in ClinVar:

ClinVar aggregate classification (germline): Likely pathogenic (0 of 4 stars; one submission).

Conditions:
Intellectual disability, Neurodevelopmental defects and Developmental delay with 46,XY gonadal dysgenesis.

Allele frequency attached by ClinVar (database versions not stated): gnomAD exomes below 0.00001.
gnomAD v4.1: 2 of 1,613,176 alleles (0.00012%); highest among the groups gnomAD compares: Non-Finnish European, 0.00017%; no homozygotes.

Submission:

Reproductive Development, Murdoch Childrens Research Institute
Classification: Likely pathogenic for Intellectual disability, Neurodevelopmental defects and Developmental delay with 46,XY gonadal dysgenesis. Last evaluated: 2023-03-06. Review status: no assertion criteria provided. Collection method: research. Allele origin: paternal. Inheritance: Autosomal recessive inheritance. Affected: yes. Observed: 1 variant allele.
Comment: It was identified as part of a larger study that has found biallelic variants in SART3 in nine children from six families with overlapping clinical features. The variant falls in a highly conserved residue within an important HAT protein domain. The variant is extremely rare or absent in population databases.

Literature cited by the submitters: PubMed 37296101.

NM_014706.4(SART3):c.1555A>G (p.Arg519Gly)

Gene: SART3 (spliceosome associated factor 3, U4/U6 recycling protein; minus strand). Cytogenetic location: 12q23.3.
Variant type: single nucleotide variant.
Coding change: c.1555A>G on transcript NM_014706.4 (MANE Select); coding-DNA position 1555, A replaced by G.
Protein change: p.Arg519Gly; replaces arginine 519 with glycine.
Molecular consequence: missense variant.
Genome position (GRCh38, 1-based): chr12:108,535,360, T>C on the plus strand (A>G on the coding strand, the complement: SART3 is on the minus strand). VCF-style: chr12-108535360-T-C. GRCh37 (hg19) VCF-style: chr12-108929136-T-C.
Other names: c.1609A>G, p.Arg537Gly (NM_001410983.1); short protein forms R519G, R537G.
Identifiers: ClinVar variation 2444512 (VCV002444512.1), dbSNP rs2540742712, ClinGen allele CA386439778.
Genomic context (GRCh38, chr12:108,535,360, plus strand): 5'-GTGAAGACAGGTGCACAGCTGACAAGCACTGCCTCCCTCCCCACCCCGAGATCAGTTACC[T>C]TTCCAGGTTGTAATACTCTAGCCACATGTTGGCGTACTTGGCATTTCCTCTGGTCATGAT-3'
Protein context (NP_055521.1, residues 509-529): NMWLEYYNLE[Arg519Gly]AHGDTQHCRK